The following is an entry in ClinVar:

ClinVar aggregate classification (germline): Benign/Likely benign. Review status: criteria provided, multiple submitters, no conflicts (2 of 4 stars). 3 submissions from 3 submitters: Benign (1); Likely benign (2). Last evaluated 2024-11-05.

Conditions:
Multiple endocrine neoplasia, type 1 (MEN1). Also called: Endocrine adenomatosis multiple; MEN 1; MEN I; WERMER SYNDROME; MEA I. Identifiers: Orphanet 652, MedGen C0025267, MeSH D018761, MONDO:0007540, OMIM 131100.
Hereditary cancer-predisposing syndrome. Also called: Neoplastic Syndromes, Hereditary; Hereditary Cancer Syndrome; Hereditary neoplastic syndrome; Tumor predisposition. Identifiers: Orphanet 140162, MedGen C0027672, MeSH D009386, MONDO:0015356.

Submissions (3):

Myriad Genetics, Inc.
Classification: Benign for Multiple endocrine neoplasia, type 1. Last evaluated: 2024-11-05. Review status: criteria provided, single submitter. Criteria: Myriad Autosomal Dominant, Autosomal Recessive and X-Linked Classification Criteria (2023). Collection method: clinical testing. Allele origin: unknown.
Comment: This variant is considered benign. This variant is a silent/synonymous amino acid change and it is not expected to impact splicing.

Ambry Genetics
Classification: Likely benign for Hereditary cancer-predisposing syndrome. Last evaluated: 2021-09-01. Review status: criteria provided, single submitter. Criteria: Ambry Variant Classification Scheme 2023. Collection method: clinical testing. Allele origin: germline.

Labcorp Genetics (formerly Invitae), Labcorp
Classification: Likely benign for Multiple endocrine neoplasia, type 1. Last evaluated: 2020-06-24. Review status: criteria provided, single submitter. Criteria: Invitae Variant Classification Sherloc (09022015). Collection method: clinical testing. Allele origin: germline.

NM_001370259.2(MEN1):c.1536A>G (p.Ser512=)

Gene: MEN1 (menin 1; minus strand). Cytogenetic location: 11q13.1.
Variant type: single nucleotide variant.
Coding change: c.1536A>G on transcript NM_001370259.2 (MANE Select); coding-DNA position 1536, A replaced by G.
Protein change: p.Ser512=; no amino-acid change (serine 512 retained).
Molecular consequence: synonymous variant.
Genome position (GRCh38, 1-based): chr11:64,804,631, T>C on the plus strand (A>G on the coding strand, the complement: MEN1 is on the minus strand). VCF-style: chr11-64804631-T-C. GRCh37 (hg19) VCF-style: chr11-64572103-T-C.
Other names: c.1551A>G, p.Ser517= (NM_000244.4, NM_130800.3, NM_130801.3 and 3 more transcripts); c.1662A>G, p.Ser554= (NM_001370251.2); c.1536A>G, p.Ser512= (NM_001370260.2, NM_001370261.2, NM_130799.3); c.1431A>G, p.Ser477= (NM_001370262.2, NM_001370263.2).
Identifiers: ClinVar variation 1157951 (VCV001157951.12), dbSNP rs2136085950, ClinGen allele CA475162991.